The following is an entry in ClinVar:

NM_000780.4(CYP7A1):c.728G>A (p.Arg243Lys)

Gene: CYP7A1 (cytochrome P450 family 7 subfamily A member 1; minus strand). Cytogenetic location: 8q12.1.
Variant type: single nucleotide variant.
Coding change: c.728G>A on transcript NM_000780.4 (MANE Select); coding-DNA position 728, G replaced by A.
Protein change: p.Arg243Lys; replaces arginine 243 with lysine.
Molecular consequence: missense variant.
Genome position (GRCh38, 1-based): chr8:58,496,784, C>T on the plus strand (G>A on the coding strand, the complement: CYP7A1 is on the minus strand). VCF-style: chr8-58496784-C-T. GRCh37 (hg19) VCF-style: chr8-59409343-C-T.
Other names: short protein forms R243K.
Identifiers: ClinVar variation 4983081 (VCV004983081.1).

ClinVar aggregate classification (germline): Uncertain significance (1 of 4 stars; one submission).

Conditions:
CYP7A1-related disorder. Also called: CYP7A1-related condition.

Submission:

PreventionGenetics, part of Exact Sciences
Classification: Uncertain significance for CYP7A1-related condition. Last evaluated: 2025-05-23. Review status: criteria provided, single submitter. Criteria: ACMG Guidelines, 2015. Collection method: clinical testing. Allele origin: germline.
Comment: The CYP7A1 c.728G>A variant is predicted to result in the amino acid substitution p.Arg243Lys. To our knowledge, this variant has not been reported in the literature or in a large population database (gnomAD), indicating this variant is rare. At this time, the clinical significance of this variant is uncertain due to the absence of conclusive functional and genetic evidence.